The following is an entry in ClinVar:

ClinVar aggregate classification (germline): Uncertain significance (1 of 4 stars; one submission).

Submission:

Labcorp Genetics (formerly Invitae), Labcorp
Classification: Uncertain significance. Last evaluated: 2024-06-29. Review status: criteria provided, single submitter. Criteria: Invitae Variant Classification Sherloc (09022015). Collection method: clinical testing. Allele origin: germline.
Comment: This sequence change replaces alanine, which is neutral and non-polar, with valine, which is neutral and non-polar, at codon 188 of the ALB protein (p.Ala188Val). This variant is present in population databases (no rsID available, gnomAD 0.006%). This variant has not been reported in the literature in individuals affected with ALB-related conditions. Advanced modeling of protein sequence and biophysical properties (such as structural, functional, and spatial information, amino acid conservation, physicochemical variation, residue mobility, and thermodynamic stability) performed at Invitae indicates that this missense variant is not expected to disrupt ALB protein function with a negative predictive value of 80%. Algorithms developed to predict the effect of sequence changes on RNA splicing suggest that this variant may disrupt the consensus splice site. In summary, the available evidence is currently insufficient to determine the role of this variant in disease. Therefore, it has been classified as a Variant of Uncertain Significance.

NM_000477.7(ALB):c.563C>T (p.Ala188Val)

Gene: ALB (albumin; plus strand). Cytogenetic location: 4q13.3.
Variant type: single nucleotide variant.
Coding change: c.563C>T on transcript NM_000477.7 (MANE Select); coding-DNA position 563, C replaced by T.
Protein change: p.Ala188Val; replaces alanine 188 with valine.
Molecular consequence: missense variant.
Genome position (GRCh38, 1-based): chr4:73,409,435, C>T. VCF-style: chr4-73409435-C-T. GRCh37 (hg19) VCF-style: chr4-74275152-C-T.
Other names: short protein forms A188V.
Identifiers: ClinVar variation 2987420 (VCV002987420.3), dbSNP rs777449887, ClinGen allele CA99701451.